The following is an entry in ClinVar:

ClinVar aggregate classification (germline): Pathogenic (0 of 4 stars; one submission).

Conditions:
Congenital titinopathy.
Early-onset myopathy with fatal cardiomyopathy (CMYO5). Also called: Salih Myopathy; CONGENITAL MYOPATHY 5 WITH CARDIOMYOPATHY. Identifiers: Orphanet 289377, MedGen C2673677, MONDO:0012714, OMIM 611705. Disease mechanism: loss of function.

Submission:

Department of Rehabilitation Medicine, Incheon St. Mary’s Hospital, College of Medicine, The Catholic University of Korea
Classification: Pathogenic for Early-onset myopathy with fatal cardiomyopathy; Congenital titinopathy. Last evaluated: 2019-02-11. Review status: no assertion criteria provided. Collection method: research. Allele origin: maternal. Inheritance: Autosomal recessive inheritance. Affected: yes. Observed: 1 compound heterozygote.

NM_001267550.2(TTN):c.29963-1G>C

Gene: TTN (titin; minus strand). Cytogenetic location: 2q31.2.
Variant type: single nucleotide variant.
Coding change: c.29963-1G>C on transcript NM_001267550.2 (MANE Select); the canonical splice acceptor site of the intron before coding-DNA position 29963, G replaced by C.
Molecular consequence: splice acceptor variant. On other transcripts: intron variant (3).
Genome position (GRCh38, 1-based): chr2:178,704,408, C>G on the plus strand (G>C on the coding strand, the complement: TTN is on the minus strand). VCF-style: chr2-178704408-C-G. GRCh37 (hg19) VCF-style: chr2-179569135-C-G.
Other names: c.13282+33674G>C (NM_003319.4); c.13858+33674G>C (NM_133437.4); c.13657+33674G>C (NM_133432.3); c.26231-1G>C (NM_133378.4); c.29012-1G>C (NM_001256850.1).
Identifiers: ClinVar variation 619187 (VCV000619187.1), dbSNP rs1560513651, ClinGen allele CA349576611.